The following is an entry in ClinVar:

NM_001127453.2(GSDME):c.1258-5T>A

Gene: GSDME (gasdermin E; minus strand). Cytogenetic location: 7p15.3.
Variant type: single nucleotide variant.
Coding change: c.1258-5T>A on transcript NM_001127453.2 (MANE Select); 5 bases into the intron before coding-DNA position 1258, T replaced by A.
Molecular consequence: intron variant.
Genome position (GRCh38, 1-based): chr7:24,699,264, A>T on the plus strand (T>A on the coding strand, the complement: GSDME is on the minus strand). VCF-style: chr7-24699264-A-T. GRCh37 (hg19) VCF-style: chr7-24738883-A-T.
Other names: c.766-5T>A (NM_001127454.2); c.1258-5T>A (NM_004403.3).
Identifiers: ClinVar variation 3727701 (VCV003727701.2).

ClinVar aggregate classification (germline): Uncertain significance (1 of 4 stars; one submission).

Submission:

Labcorp Genetics (formerly Invitae), Labcorp
Classification: Uncertain significance. Last evaluated: 2025-01-01. Review status: criteria provided, single submitter. Criteria: Invitae Variant Classification Sherloc (09022015). Collection method: clinical testing. Allele origin: germline.
Comment: This sequence change falls in intron 9 of the DFNA5 gene. It does not directly change the encoded amino acid sequence of the DFNA5 protein. This variant is not present in population databases (gnomAD no frequency). This variant has not been reported in the literature in individuals affected with DFNA5-related conditions. Algorithms developed to predict the effect of sequence changes on RNA splicing suggest that this variant may disrupt the consensus splice site. In summary, the available evidence is currently insufficient to determine the role of this variant in disease. Therefore, it has been classified as a Variant of Uncertain Significance.